The following is an entry in ClinVar:

NM_000273.3(GPR143):c.768-2_769del

Gene: GPR143 (G protein-coupled receptor 143; minus strand). Cytogenetic location: Xp22.2.
Variant type: Deletion.
Coding change: c.768-2_769del on transcript NM_000273.3 (MANE Select); the canonical splice acceptor site of the intron before coding-DNA position 768 through coding-DNA position 769, 4 bases deleted (AGTT; older notation c.768-2_769delAGTT).
Molecular consequence: splice acceptor variant.
Genome position (GRCh38, 1-based): chrX:9,741,454-9,741,457, AACT deleted on the plus strand (AGTT on the coding strand, the reverse complement: GPR143 is on the minus strand). VCF-style (leftmost placement, unchanged base first): chrX-9741453-CAACT-C. GRCh37 (hg19) VCF-style: chrX-9709493-CAACT-C.
Identifiers: ClinVar variation 1502929 (VCV001502929.9), dbSNP rs2146685874, ClinGen allele CA2573159517.
Genomic context (GRCh38, chrX:9,741,453, plus strand): 5'-TTGATATCTGTTTGCATCTCAAGATAGAATAAAAGGCTTTCATTGATGATATTCGACAAC[CAACT>C]GTTAGAAAGAAAATGGCAGCAGGTAAAGAGAACATGCAATGAAACTCGTTTTTAAATGCT-3'

ClinVar aggregate classification (germline): Pathogenic. Review status: criteria provided, multiple submitters, no conflicts (2 of 4 stars). 2 submissions from 2 submitters: Pathogenic (2). Last evaluated 2025-05-18.

Conditions:
GPR143-related disorders.

Submissions (2):

Labcorp Genetics (formerly Invitae), Labcorp
Classification: Pathogenic. Last evaluated: 2025-05-18. Review status: criteria provided, single submitter. Criteria: Invitae Variant Classification Sherloc (09022015). Collection method: clinical testing. Allele origin: germline.
Comment: This variant results in the deletion of part of exon 7 (c.768-2_769del) of the GPR143 gene. It is expected to disrupt RNA splicing. Variants that disrupt the donor or acceptor splice site typically lead to a loss of protein function (PMID: 16199547), and loss-of-function variants in GPR143 are known to be pathogenic (PMID: 15965158, 18978956, 19390656, 21541274, 26160353, 28211458). This variant is not present in population databases (gnomAD no frequency). This variant has been observed in individuals with ocular albinism (PMID: 21541274, 27734839). ClinVar contains an entry for this variant (Variation ID: 1502929). For these reasons, this variant has been classified as Pathogenic.

Blueprint Genetics
Classification: Pathogenic for GPR143-related disorders. Last evaluated: 2024-10-31. Review status: criteria provided, single submitter. Criteria: ACMG Guidelines, 2015. Collection method: clinical testing. Allele origin: germline. Affected: yes. Observed: 2 variant alleles.

Literature cited by the submitters: PubMed 16199547 (cited by Labcorp Genetics (formerly Invitae), Labcorp); PubMed 15965158 (cited by Labcorp Genetics (formerly Invitae), Labcorp); PubMed 18978956 (cited by Labcorp Genetics (formerly Invitae), Labcorp); PubMed 19390656 (cited by Labcorp Genetics (formerly Invitae), Labcorp); PubMed 21541274 (cited by Labcorp Genetics (formerly Invitae), Labcorp); PubMed 26160353 (cited by Labcorp Genetics (formerly Invitae), Labcorp); PubMed 28211458 (cited by Labcorp Genetics (formerly Invitae), Labcorp); PubMed 27734839 (cited by Labcorp Genetics (formerly Invitae), Labcorp).